The following is an entry in ClinVar:

ClinVar aggregate classification (germline): Likely benign (1 of 4 stars; one submission).

Allele frequency attached by ClinVar (database versions not stated): 1000 Genomes Project 0.00060; 1000 Genomes Project 30x 0.00062; TOPMed 0.00123; ESP Exome Variant Server 0.00131; gnomAD 0.00135; ExAC 0.00195.

Submission:

CeGaT Center for Human Genetics Tuebingen
Classification: Likely benign. Last evaluated: 2026-06-01. Review status: criteria provided, single submitter. Criteria: CeGaT Center For Human Genetics Tuebingen Variant Classification Criteria Version 2. Collection method: clinical testing. Allele origin: germline. Affected: yes. Observed: 2 variant alleles.
Comment: TUBGCP2: BS1:Supporting

NM_006659.4(TUBGCP2):c.1895+17C>T

Gene: TUBGCP2 (tubulin gamma complex component 2; minus strand). Cytogenetic location: 10q26.3.
Variant type: single nucleotide variant.
Coding change: c.1895+17C>T on transcript NM_006659.4 (MANE Select); 17 bases into the intron after coding-DNA position 1895, C replaced by T.
Molecular consequence: intron variant.
Genome position (GRCh38, 1-based): chr10:133,285,439, G>A on the plus strand (C>T on the coding strand, the complement: TUBGCP2 is on the minus strand). VCF-style: chr10-133285439-G-A. GRCh37 (hg19) VCF-style: chr10-135098943-G-A.
Other names: c.1505+17C>T (NM_001256618.2); c.1979+17C>T (NM_001256617.2).
Identifiers: ClinVar variation 3250553 (VCV003250553.18), dbSNP rs200647875.